The following is an entry in ClinVar:

ClinVar aggregate classification (germline): Uncertain significance (1 of 4 stars; one submission).

gnomAD v4.1: 25 of 1,612,628 alleles (0.0016%); highest among the groups gnomAD compares: Admixed American, 0.0033%; no homozygotes.

Submission:

GeneDx
Classification: Uncertain significance. Last evaluated: 2024-10-17. Review status: criteria provided, single submitter. Criteria: GeneDx Variant Classification Process June 2021. Collection method: clinical testing. Allele origin: germline. Affected: yes.
Comment: Not observed at significant frequency in large population cohorts (gnomAD); In silico analysis indicates that this missense variant does not alter protein structure/function; Has not been previously published as pathogenic or benign to our knowledge

NM_182961.4(SYNE1):c.7787G>A (p.Arg2596His)

Gene: SYNE1 (spectrin repeat containing nuclear envelope protein 1; minus strand). Cytogenetic location: 6q25.2.
Variant type: single nucleotide variant.
Coding change: c.7787G>A on transcript NM_182961.4 (MANE Select); coding-DNA position 7787, G replaced by A.
Protein change: p.Arg2596His; replaces arginine 2596 with histidine.
Molecular consequence: missense variant.
Genome position (GRCh38, 1-based): chr6:152,391,494, C>T on the plus strand (G>A on the coding strand, the complement: SYNE1 is on the minus strand). VCF-style: chr6-152391494-C-T. GRCh37 (hg19) VCF-style: chr6-152712629-C-T.
Other names: c.7808G>A, p.Arg2603His (NM_033071.5); short protein forms R2603H, R2596H.
Identifiers: ClinVar variation 3781085 (VCV003781085.1).
Genomic context (GRCh38, chr6:152,391,494, plus strand): 5'-AGTTTCTCTTTGGTCATTCTAAGTAGGTTCTGGTGGCTTGTGAGGAGCTGGGAACACAGG[C>T]GGCCCTCCTGCCCAGCACCGTGGCCTTCTTCACTCAGAAGCTGCCCTCTCTGGGAAAGCT-3'
Protein context (NP_892006.3, residues 2586-2606): EEGHGAGQEG[Arg2596His]LCSQLLTSHQ